The following is an entry in ClinVar:

NM_001042492.3(NF1):c.6829A>T (p.Ser2277Cys)

Gene: NF1 (neurofibromin 1; plus strand). Cytogenetic location: 17q11.2.
Variant type: single nucleotide variant.
Coding change: c.6829A>T on transcript NM_001042492.3 (MANE Select); coding-DNA position 6829, A replaced by T.
Protein change: p.Ser2277Cys; replaces serine 2277 with cysteine.
Molecular consequence: missense variant.
Genome position (GRCh38, 1-based): chr17:31,338,713, A>T. VCF-style: chr17-31338713-A-T. GRCh37 (hg19) VCF-style: chr17-29665731-A-T.
Other names: c.6766A>T, p.Ser2256Cys (NM_000267.4); short protein forms S2277C, S2256C.
Identifiers: ClinVar variation 4119121 (VCV004119121.1).
Genomic context (GRCh38, chr17:31,338,713, plus strand): 5'-TAATGTTTTATTTCAATGAAAGTAAAATAAAAAATTCTGTTTTCCTAAAAGGCACTTGAG[A>T]GTTGCTTAAAAGGACCTGACACTTACAACAGTCAAGTTCTGATAGAAGCTACAGTAATAG-3'
Protein context (NP_001035957.1, residues 2267-2287): IIRILSKALE[Ser2277Cys]CLKGPDTYNS

ClinVar aggregate classification (germline): Uncertain significance (1 of 4 stars; one submission).

Conditions:
Cardiovascular phenotype. Identifiers: MedGen CN230736.
Hereditary cancer-predisposing syndrome. Also called: Hereditary neoplastic syndrome; Neoplastic Syndromes, Hereditary; Tumor predisposition; Hereditary Cancer Syndrome. Identifiers: Orphanet 140162, MedGen C0027672, MeSH D009386, MONDO:0015356.

Submission:

Ambry Genetics
Classification: Uncertain significance for Cardiovascular phenotype; Hereditary cancer-predisposing syndrome. Last evaluated: 2025-07-28. Review status: criteria provided, single submitter. Criteria: Ambry Variant Classification Scheme 2023. Collection method: clinical testing. Allele origin: germline.
Comment: The p.S2256C variant (also known as c.6766A>T), located in coding exon 45 of the NF1 gene, results from an A to T substitution at nucleotide position 6766. The serine at codon 2256 is replaced by cysteine, an amino acid with dissimilar properties. This amino acid position is conserved. In addition, the in silico prediction for this alteration is inconclusive. Based on the available evidence, the clinical significance of this variant remains unclear.